The following is an entry in ClinVar:

ClinVar aggregate classification (germline): Uncertain significance. Review status: criteria provided, multiple submitters, no conflicts (2 of 4 stars). 3 submissions from 3 submitters: Uncertain significance (3). Last evaluated 2025-10-28.

Conditions:
Tuberous sclerosis syndrome (TSC). Also called: Tuberous Sclerosis Complex; Tuberous sclerosis. Identifiers: Orphanet 805, MedGen C0041341, MONDO:0001734.
Tuberous sclerosis 2 (TSC2). Identifiers: Orphanet 805, MedGen C1860707, MONDO:0013199, OMIM 613254.

Allele frequency attached by ClinVar (database versions not stated): gnomAD exomes below 0.00001.
gnomAD v4.1: 1 of 1,614,124 alleles (0.000062%); highest among the groups gnomAD compares: South Asian, 0.0011%; no homozygotes.

Submissions (3):

Color Diagnostics, LLC DBA Color Health
Classification: Uncertain significance for Tuberous sclerosis syndrome. Last evaluated: 2025-10-28. Review status: criteria provided, single submitter. Criteria: ACMG Guidelines, 2015. Collection method: clinical testing. Allele origin: germline.
Comment: This missense variant replaces arginine with glycine at codon 712 of the TSC2 protein. Computational prediction is inconclusive regarding the impact of this variant on protein structure and function. To our knowledge, functional studies have not been reported for this variant. This variant has not been reported in individuals affected with TSC2-related disorders in the literature. This variant has been identified in 1/1461770 chromosomes in the general population by the Genome Aggregation Database (gnomAD). The available evidence is insufficient to determine the role of this variant in disease conclusively. Therefore, this variant is classified as a Variant of Uncertain Significance.

Labcorp Genetics (formerly Invitae), Labcorp
Classification: Uncertain significance for Tuberous sclerosis 2. Last evaluated: 2024-04-24. Review status: criteria provided, single submitter. Criteria: Invitae Variant Classification Sherloc (09022015). Collection method: clinical testing. Allele origin: germline.
Comment: This sequence change replaces arginine, which is basic and polar, with glycine, which is neutral and non-polar, at codon 712 of the TSC2 protein (p.Arg712Gly). This variant is not present in population databases (gnomAD no frequency). This variant has not been reported in the literature in individuals affected with TSC2-related conditions. Advanced modeling of protein sequence and biophysical properties (such as structural, functional, and spatial information, amino acid conservation, physicochemical variation, residue mobility, and thermodynamic stability) performed at Invitae indicates that this missense variant is not expected to disrupt TSC2 protein function with a negative predictive value of 95%. In summary, the available evidence is currently insufficient to determine the role of this variant in disease. Therefore, it has been classified as a Variant of Uncertain Significance.

All of Us Research Program, National Institutes of Health
Classification: Uncertain significance for Tuberous sclerosis syndrome. Last evaluated: 2023-08-15. Review status: criteria provided, single submitter. Criteria: ACMG Guidelines, 2015. Collection method: clinical testing. Allele origin: germline. Inheritance: Autosomal dominant inheritance. Observed: 1 variant allele, 1 heterozygote.
Comment: This study involves interpretation of variants in research participants for the purpose of population health screening. Participant phenotype was not available at the time of variant classification. Additional details can be found in publication PMID: 35346344, PMCID: PMC8962531

NM_000548.5(TSC2):c.2134A>G (p.Arg712Gly)

Gene: TSC2 (TSC complex subunit 2; plus strand). Cytogenetic location: 16p13.3.
Variant type: single nucleotide variant.
Coding change: c.2134A>G on transcript NM_000548.5 (MANE Select); coding-DNA position 2134, A replaced by G.
Protein change: p.Arg712Gly; replaces arginine 712 with glycine.
Molecular consequence: missense variant. On other transcripts: non-coding transcript variant (5).
Genome position (GRCh38, 1-based): chr16:2,072,277, A>G. VCF-style: chr16-2072277-A-G. GRCh37 (hg19) VCF-style: chr16-2122278-A-G.
Other names: c.2134A>G, p.Arg712Gly (NM_001077183.3, NM_001114382.3, NM_001363528.2 and 6 more transcripts); c.2023A>G, p.Arg675Gly (NM_001318827.2, NM_001406670.1, NM_001406678.1); c.1987A>G, p.Arg663Gly (NM_001318829.2, NM_001406675.1, NM_001406676.1 and 1 more transcripts); c.1534A>G, p.Arg512Gly (NM_001318831.2, NM_001406680.1, NM_001406682.1 and 6 more transcripts); c.2167A>G, p.Arg723Gly (NM_001318832.2); c.2224A>G, p.Arg742Gly (NM_001406667.1, NM_001406668.1); c.2122A>G, p.Arg708Gly (NM_001406671.1, NM_001406673.1); c.2077A>G, p.Arg693Gly (NM_001406677.1); and 3 more; short protein forms R178G, R264G, R512G, R558G, R663G, R675G, R693G, R708G.
Identifiers: ClinVar variation 3072288 (VCV003072288.4), dbSNP rs2151316730, ClinGen allele CA394274817.